The following is an entry in ClinVar:

ClinVar aggregate classification (germline): Uncertain significance. Review status: criteria provided, multiple submitters, no conflicts (2 of 4 stars). 2 submissions from 2 submitters: Uncertain significance (2). Last evaluated 2024-06-03.

Conditions:
Familial sleep-related hypermotor epilepsy. Also called: Autosomal Dominant Sleep-Related Hypermotor (Hyperkinetic) Epilepsy. Identifiers: Orphanet 98784, MedGen C3696898, MONDO:0000030.

Allele frequency attached by ClinVar (database versions not stated): gnomAD 0.00003 and 0.00004; TOPMed 0.00002; ExAC 0.00002.
gnomAD v4.1: 41 of 1,613,642 alleles (0.0025%); highest among the groups gnomAD compares: African/African-American, 0.0094%; no homozygotes.

Submissions (2):

Labcorp Genetics (formerly Invitae), Labcorp
Classification: Uncertain significance. Last evaluated: 2024-06-03. Review status: criteria provided, single submitter. Criteria: Invitae Variant Classification Sherloc (09022015). Collection method: clinical testing. Allele origin: germline.
Comment: This sequence change replaces arginine, which is basic and polar, with histidine, which is basic and polar, at codon 232 of the CHRNB2 protein (p.Arg232His). This variant is present in population databases (rs79646221, gnomAD 0.008%). This variant has not been reported in the literature in individuals affected with CHRNB2-related conditions. ClinVar contains an entry for this variant (Variation ID: 205071). Advanced modeling of protein sequence and biophysical properties (such as structural, functional, and spatial information, amino acid conservation, physicochemical variation, residue mobility, and thermodynamic stability) performed at Invitae indicates that this missense variant is expected to disrupt CHRNB2 protein function with a positive predictive value of 80%. In summary, the available evidence is currently insufficient to determine the role of this variant in disease. Therefore, it has been classified as a Variant of Uncertain Significance.

GeneDx
Classification: Uncertain significance. Last evaluated: 2015-01-08. Review status: criteria provided, single submitter. Criteria: GeneDx Variant Classification (06012015). Collection method: clinical testing. Allele origin: germline. Affected: yes.
Comment: p.Arg232His (CGC>CAC): c.695 G>A in exon 5 of the CHRNB2 gene (NM_000748.2). The R232H variant has not been published as a mutation, nor has it been reported as a benign polymorphism to our knowledge. It was not observed in approximately 6,500 individuals of European and African American ancestry in the NHLBI Exome Sequencing Project, indicating it is not a common benign variant in these populations. This substitution occurs at a position that is conserved across species, and in silico analysis predicts this variant is probably damaging to the protein structure/function. However, the R232H variant is a conservative amino acid substitution, which is not likely to impact secondary protein structure as these residues share similar properties. Additionally, this amino acid substitution is not predicted to occur within the transmembrane region of the protein, where the vast majority of pathogenic missense mutations have been identified in association with epilepsy (Steinlein et al., 2010). Therefore, based on the currently available information, it is unclear whether the R232H variant is a pathogenic mutation or a rare benign variant. The variant is found in EPILEPSY panel(s).

NM_000748.3(CHRNB2):c.695G>A (p.Arg232His)

Gene: CHRNB2 (cholinergic receptor nicotinic beta 2 subunit; plus strand). Cytogenetic location: 1q21.3.
Variant type: single nucleotide variant.
Coding change: c.695G>A on transcript NM_000748.3 (MANE Select); coding-DNA position 695, G replaced by A.
Protein change: p.Arg232His; replaces arginine 232 with histidine.
Molecular consequence: missense variant.
Genome position (GRCh38, 1-based): chr1:154,571,518, G>A. VCF-style: chr1-154571518-G-A. GRCh37 (hg19) VCF-style: chr1-154543994-G-A.
Other names: p.R232H:CGC>CAC; short protein forms R232H.
Identifiers: ClinVar variation 205071 (VCV000205071.8), dbSNP rs79646221, ClinGen allele CA313659.